The following is an entry in ClinVar:

NM_001148.6(ANK2):c.8015A>C (p.Gln2672Pro)

Gene: ANK2 (ankyrin 2; plus strand). Cytogenetic location: 4q26.
Variant type: single nucleotide variant.
Coding change: c.8015A>C on transcript NM_001148.6 (MANE Select); coding-DNA position 8015, A replaced by C.
Protein change: p.Gln2672Pro; replaces glutamine 2672 with proline.
Molecular consequence: missense variant. On other transcripts: intron variant (68).
Genome position (GRCh38, 1-based): chr4:113,356,633, A>C. VCF-style: chr4-113356633-A-C. GRCh37 (hg19) VCF-style: chr4-114277789-A-C.
Other names: c.7781A>C, p.Gln2594Pro (NM_001386142.1); c.4415A>C, p.Gln1472Pro (NM_001386166.1); c.8156A>C, p.Gln2719Pro (NM_001386174.1); c.8132A>C, p.Gln2711Pro (NM_001386175.1); c.4412-4190A>C (NM_001386186.2, NM_001386148.2); c.4214-4190A>C (NM_001354269.3); c.4292-4190A>C (NM_001386187.2); c.4253-4190A>C (NM_001386147.1); and 35 more; short protein forms Q2672P, Q1472P, Q2594P, Q2711P, Q2719P.
Identifiers: ClinVar variation 452240 (VCV000452240.4), dbSNP rs763567400, ClinGen allele CA3051698.
Genomic context (GRCh38, chr4:113,356,633, plus strand): 5'-TAGTAACTTCGGAGAGCAGGAAGGTGTCTTCCTCCTCAGAAAGTGAACCTGAGTTGGCAC[A>C]GCTTAAAAAAGGTGCTGACTCAGGCCTTTTACCAGAACCAGTGATTCGAGTACAACCTCC-3'
Protein context (NP_001139.3, residues 2662-2682): SSSESEPELA[Gln2672Pro]LKKGADSGLL

ClinVar aggregate classification (germline): Conflicting classifications of pathogenicity. Review status: criteria provided, conflicting classifications (1 of 4 stars). 2 submissions from 2 submitters: Uncertain significance (1); Likely benign (1). Last evaluated 2025-05-12.

Conditions:
Cardiovascular phenotype. Identifiers: MedGen CN230736.

Allele frequency attached by ClinVar (database versions not stated): gnomAD 0.00001; gnomAD exomes 0.00003; ExAC 0.00004.
gnomAD v4.1: 21 of 1,614,012 alleles (0.0013%); highest among the groups gnomAD compares: East Asian, 0.045%; no homozygotes.

Submissions (2):

Ambry Genetics
Classification: Likely benign for Cardiovascular phenotype. Last evaluated: 2025-05-12. Review status: criteria provided, single submitter. Criteria: Ambry Variant Classification Scheme 2023. Collection method: clinical testing. Allele origin: germline.

GeneDx
Classification: Uncertain significance. Last evaluated: 2024-12-16. Review status: criteria provided, single submitter. Criteria: GeneDx Variant Classification Process June 2021. Collection method: clinical testing. Allele origin: germline. Affected: yes.
Comment: Located in exon 38, which is reported as being expressed in a brain-specific transcript (PMID: 1830053, 18790697, 26109584); In silico analysis indicates that this missense variant does not alter protein structure/function; Observed in individuals with prolonged QTc intervals; however, detailed clinical information was not provided (PMID: 29071820); This variant is associated with the following publications: (PMID: 29071820, 1830053, 18790697, 26109584)